The following is an entry in ClinVar:

ClinVar aggregate classification (germline): Pathogenic (1 of 4 stars; one submission).

Conditions:
Inborn genetic diseases. Identifiers: MedGen C0950123, MeSH D030342.

Submission:

Ambry Genetics
Classification: Pathogenic for Inborn genetic diseases. Last evaluated: 2025-10-10. Review status: criteria provided, single submitter. Criteria: Ambry Variant Classification Scheme 2023. Collection method: clinical testing. Allele origin: germline.
Comment: The c.2182C>T (p.Q728*) alteration, located in exon 18 (coding exon 18) of the CACNA1A gene, consists of a C to T substitution at nucleotide position 2182. This changes the amino acid from a glutamine (Q) to a stop codon at amino acid position 728. This alteration is expected to result in loss of function by premature protein truncation or nonsense-mediated mRNA decay. for CACNA1A-related neurologic disorder; however, it is unlikely to be causative of CACNA1A-related spinocerebellar ataxia. This variant was not reported in population-based cohorts in the Genome Aggregation Database (gnomAD). Based on the available evidence, this alteration is classified as pathogenic.

NM_001127222.2(CACNA1A):c.2179C>T (p.Gln727Ter)

Gene: CACNA1A (calcium voltage-gated channel subunit alpha1 A; minus strand). Cytogenetic location: 19p13.13.
Variant type: single nucleotide variant.
Coding change: c.2179C>T on transcript NM_001127222.2 (MANE Select); coding-DNA position 2179, C replaced by T.
Protein change: p.Gln727Ter; replaces glutamine 727 with a stop codon.
Molecular consequence: nonsense.
Genome position (GRCh38, 1-based): chr19:13,300,650, G>A on the plus strand (C>T on the coding strand, the complement: CACNA1A is on the minus strand). VCF-style: chr19-13300650-G-A. GRCh37 (hg19) VCF-style: chr19-13411464-G-A.
Other names: c.2191C>T, p.Gln731Ter (NM_000068.4, NM_023035.3); c.2182C>T, p.Gln728Ter (NM_001127221.2, NM_001174080.2); short protein forms Q727*, Q731*, Q728*.
Identifiers: ClinVar variation 4602322 (VCV004602322.1).